The following is an entry in ClinVar:

NM_017780.4(CHD7):c.772C>T (p.His258Tyr)

Gene: CHD7 (chromodomain helicase DNA binding protein 7; plus strand). Cytogenetic location: 8q12.2.
Variant type: single nucleotide variant.
Coding change: c.772C>T on transcript NM_017780.4 (MANE Select); coding-DNA position 772, C replaced by T.
Protein change: p.His258Tyr; replaces histidine 258 with tyrosine.
Molecular consequence: missense variant.
Genome position (GRCh38, 1-based): chr8:60,742,204, C>T. VCF-style: chr8-60742204-C-T. GRCh37 (hg19) VCF-style: chr8-61654763-C-T.
Other names: c.772C>T, p.His258Tyr (NM_001316690.1); short protein forms H258Y.
Identifiers: ClinVar variation 1760348 (VCV001760348.2), dbSNP rs1188910098, ClinGen allele CA371299315.
Genomic context (GRCh38, chr8:60,742,204, plus strand): 5'-GTGCCCCAGCAGAGTCCCAGCATGGCACCTTCCTTGCGTCACTCGGTGCAGCAGTTCCAT[C>T]ACCACCCCTCTACTGCTCTCCATGGAGAATCCGTTGCCCACAGTCCCAGATTCTCCCCGA-3'
Protein context (NP_060250.2, residues 248-268): SLRHSVQQFH[His258Tyr]HPSTALHGES

ClinVar aggregate classification (germline): Uncertain significance (1 of 4 stars; one submission).

Conditions:
Inborn genetic diseases. Identifiers: MedGen C0950123, MeSH D030342.

gnomAD v4.1: 1 of 1,613,870 alleles (0.000062%); highest among the groups gnomAD compares: Non-Finnish European, 0.000085%; no homozygotes.

Submission:

Ambry Genetics
Classification: Uncertain significance for Inborn genetic diseases. Last evaluated: 2022-09-24. Review status: criteria provided, single submitter. Criteria: Ambry Variant Classification Scheme 2023. Collection method: clinical testing. Allele origin: germline.
Comment: The p.H258Y variant (also known as c.772C>T), located in coding exon 1 of the CHD7 gene, results from a C to T substitution at nucleotide position 772. The histidine at codon 258 is replaced by tyrosine, an amino acid with similar properties. This amino acid position is conserved. In addition, the in silico prediction for this alteration is inconclusive. Since supporting evidence is limited at this time, the clinical significance of this alteration remains unclear.